The following continues an entry in ClinVar:

NM_000091.5(COL4A3):c.3829G>A (p.Gly1277Ser)

ClinVar aggregate classification (germline): Conflicting classifications of pathogenicity. Pathogenic (1); Likely pathogenic (5); Uncertain significance (10); Likely benign (3).

Submissions 6 to 16 of 24:

Women's Health and Genetics/Laboratory Corporation of America, LabCorp
Classification: Likely benign. Last evaluated: 2025-06-18. Review status: criteria provided, single submitter. Criteria: LabCorp Variant Classification Summary - May 2015. Collection method: clinical testing. Allele origin: germline.
Comment: Variant summary: COL4A3 c.3829G>A (p.Gly1277Ser) results in a non-conservative amino acid change in the encoded protein sequence. Algorithms developed to predict the effect of missense changes on protein structure and function all suggest that this variant is likely to be disruptive. Consensus agreement among computation tools predict no significant impact on normal splicing. However, these predictions have yet to be confirmed by functional studies. The variant allele was found at a frequency of 0.00032 in 1614042 control chromosomes, predominantly at a frequency of 0.001 within the Latino subpopulation in the gnomAD database. This frequency is not significantly higher than estimated for a pathogenic variant in COL4A3 causing Alport Syndrome, Autosomal Recessive (0.00032 vs 0.0014). However, in the Middle Eastern subpopulation, the gnomAD frequency slightly exceeds (0.001825) the maximum pathogenic allele frequency expected for recessive Alport syndrome. Further, 2 homozygous controls have also been reported in the gnomAD database, which may be inconsistent with the severity and penetrance expected for recessive COL4A3-related conditions. c.3829G>A has been reported in the literature in many heterozygous individuals affected with hematuria, however the variant was found to co-occur with other potentially pathogenic variants, including those in COL4A4 and COL4A5, in several individuals (e.g., Bullich_2015, Fallerini_2017, Lucas_2018, Heidet_2001, Cambier_2021, Domingo-Gallego_2021, Larsen_2016, Furlano_2021, Yavas_2022, Doreille_2023). Additionally, the variant was found in one compound heterozygous child affected with IgA nephropathy (e.g., Cambier_2021) and in one very young homozygous proband affected with bilateral, prelingual deafness and early onset myopia where the variant was shown to segregate with disease in a recessive manner in related individuals (e.g., AitRaise_2022). To our knowledge, no experimental evidence demonstrating an impact on protein function has been reported. The following publications have been ascertained in the context of this evaluation (PMID: 35301649, 25407002, 34013111, 33532864, 36938085, 27859054, 33838161, 11134255, 26795916, 29924831, 36134775, 34400539, 38357258, 28657137, 35177655, 38471460, 38972501, 36617405, 34400539, 35675912, 38868576, 30476936, 32483926, 35759000, 26359337, 39190485, 39408606). ClinVar contains an entry for this variant (Variation ID: 555905). Based on the evidence outlined above, the variant was classified as likely benign.

Blueprint Genetics
Classification: Uncertain significance. Last evaluated: 2024-11-26. Review status: criteria provided, single submitter. Criteria: ACMG Guidelines, 2015. Collection method: clinical testing. Allele origin: germline.

Revvity Omics, Revvity
Classification: Likely pathogenic. Last evaluated: 2024-09-18. Review status: criteria provided, single submitter. Criteria: ACMG Guidelines, 2015. Collection method: clinical testing. Allele origin: germline.

Molecular Genetics and NGS Laboratory, Hospital Fundacion Valle Del Lili
Classification: Likely benign for Autosomal dominant Alport syndrome. Last evaluated: 2024-09-05. Review status: criteria provided, single submitter. Criteria: ACMG Guidelines, 2015. Collection method: clinical testing. Allele origin: germline. Affected: yes. Observed: 1 variant allele.
Comment: GnomAD exomes allele frequency = 0.000323 is greater than 0.000316 (threshold derived from the 2 184 clinically reported variants in gene COL4A3), good gnomAD exomes coverage = 31.5 (BS1). Observed in healthy adults: gnomAD exomes homozygous allele count = 2 is greater or equal to 2 for AD/AR gene COL4A3, good gnomAD exomes coverage = 31.5 (BS2). Combined evidence strength is Moderate (score = 2).Moderate: ClinVar classifies this variant as Uncertain Significance but a high confidence submitter has classified as Likely Benign (BP6). UniProt protein CO4A3_HUMAN region of interest 'Disordered' has 471 missense/in-frame variants (184 pathogenic variants, 263 uncertain variants and 24 benign variants), which qualifies as moderate pathogenic.UniProt protein CO4A3_HUMAN region of interest 'Triple-helical region' has 720 missense/in-frame variants (270 pathogenic variants, 408 uncertain variants and 42 benign variants), which qualifies as moderate pathogenic (PM1). Combined evidence strength is Moderate (score = 2).Supporting: a VarSome user has classified this variant as Pathogenic (automatically lifted-over from chr2:228163475 G⇒A on hg19) (PP5). etaRNN = 0.849 is between 0.841 and 0.939 ⇒ moderate pathogenic. Reducing to strength Supporting in view of the clinical evidence reported in BP6_Moderate (PP3).

Fulgent Genetics
Classification: Uncertain significance for Autosomal dominant Alport syndrome; Hematuria, benign familial, 2; Alport syndrome 3b, autosomal recessive. Last evaluated: 2024-06-02. Review status: criteria provided, single submitter. Criteria: ACMG Guidelines, 2015. Collection method: clinical testing. Allele origin: germline.

Laboratory of Prof. Karen Avraham, Tel Aviv University
Classification: Pathogenic for Autosomal dominant Alport syndrome. Last evaluated: 2024-05-01. Review status: criteria provided, single submitter. Criteria: ACMG Guidelines, 2015. Collection method: research. Allele origin: germline. Affected: yes. Observed: 1 variant allele.
Comment: Pathogenic by Deafness Variation Database and by 4 ClinVar submissions.

Autosomal dominant; high-tone HL, normal-severe.

Genomic Medicine Center of Excellence, King Faisal Specialist Hospital and Research Centre
Classification: Uncertain significance for Alport syndrome 3b, autosomal recessive. Last evaluated: 2024-04-04. Review status: criteria provided, single submitter. Criteria: ACMG Guidelines, 2015. Collection method: clinical testing. Allele origin: germline.

Servicio Canario de Salud, Hospital Universitario Nuestra Sra. de Candelaria
Classification: Uncertain significance for focal and segmental glomerulosclerosis. Last evaluated: 2022-12-28. Review status: criteria provided, single submitter. Criteria: ACMG Guidelines, 2015. Collection method: clinical testing. Allele origin: germline. Inheritance: Autosomal dominant inheritance. Affected: yes. Observed: 1 heterozygote.
Comment: In a renal biopsy, focal and segmental glomerulosclerosis was observed. Immunological study and renal ultrasound were normal. This variant is present in population databases (gnomAD allele frequency 0.0003633). ClinVar contains an entry for this variant (Variation ID: 555905). It has been described in the scientific literature in numerous individuals with various nephrological disorders (Alport AD/AR, IgA nephropathy, nephrotic syndrome, keratoconus, benign hematuria), usually sporadic cases, without segregation between individuals in the same family and with diverse phenotypes, in occasions in co-occurrence with other variants that justified the clinical disease. In silico analysis (CADD, PolyPhen-2, MutationTaster, SIFT and Provean) supports that this missense variant has a deleterious effect on protein structure/function, but this prediction has not been confirmed by functional studies. In summary, the available evidence for c.3829G>A (p.Gly1277Ser) COL4A3 variant is currently insufficient to determine the role of this variant in disease. Therefore, it has been classified as a Variant of Uncertain Significance.

Mendelics
Classification: Uncertain significance. Last evaluated: 2022-05-04. Review status: criteria provided, single submitter. Criteria: Mendelics Assertion Criteria 2019. Collection method: clinical testing. Allele origin: germline.

ARUP Laboratories, Molecular Genetics and Genomics, ARUP Laboratories
Classification: Uncertain significance. Last evaluated: 2022-03-29. Review status: criteria provided, single submitter. Criteria: ARUP Molecular Germline Variant Investigation Process 2021. Collection method: clinical testing. Allele origin: germline.
Comment: The COL4A3 c.3829G>A; p.Gly1277Ser variant (rs190598500) has been reported in several individuals diagnosed with Alport syndrome, nephropathy, or glomerulosclerosis (Bullich 2015, Domingo-Gallego 2022, Fallerini 2017, Heidet 2001, Larsen 2016, Lucas 2018). However, several of these individuals had variants in other genes that represented an alternative molecular mechanism for disease (Bullich 2015, Domingo-Gallego 2022, Fallerini 2017). The variant is reported as a variant of uncertain significance by several sources in the ClinVar database (Variation ID: 555905) and is reported in the general population with an allele frequency of 0.036% (102/280,750 alleles) in the Genome Aggregation Database. The glycine at codon 1277 occurs in a Gly-X-Y repeat region, but this domain is not predicted to be a collagen triple helix region (UniProt Q01955). The glycine at this position is highly conserved and computational analyses predict that this variant is deleterious (REVEL: 0.971). However, due to conflicting information, the clinical significance of the p.Gly1277Ser variant is uncertain at this time. References: Bullich G et al. Targeted next-generation sequencing in steroid-resistant nephrotic syndrome: mutations in multiple glomerular genes may influence disease severity. Eur J Hum Genet. 2015 Sep;23(9):1192-9. PMID: 25407002. Domingo-Gallego A et al. Clinical utility of genetic testing in early-onset kidney disease: seven genes are the main players. Nephrol Dial Transplant. 2022 Mar 25;37(4):687-696. PMID: 33532864. Fallerini C et al. Alport syndrome: impact of digenic inheritance in patients management. Clin Genet. 2017 Jul;92(1):34-44. PMID 27859054. Heidet L et al. Structure of the human type IV collagen gene COL4A3 and mutations in autosomal Alport syndrome. J Am Soc Nephrol. 2001 Jan;12(1):97-106. PMID 11134255. Larsen CP et al. A Custom Targeted Next-Generation Sequencing Gene Panel for the Diagnosis of Genetic Nephropathies. Am J Kidney Dis. 2016 Jun;67(6):992-3. PMID: 26795916. Lucas SEM et al. Rare, potentially pathogenic variants in 21 keratoconus candidate genes are not enriched in cases in a large Australian cohort of European descent PLoS One. 2018 Jun 20;13(6):e0199178. PMID 29924831.

Institute of Human Genetics Munich, TUM University Hospital
Classification: Likely pathogenic for Autosomal dominant Alport syndrome. Last evaluated: 2022-03-15. Review status: criteria provided, single submitter. Criteria: Classification criteria August 2017. Collection method: clinical testing. Allele origin: germline. Inheritance: Autosomal dominant inheritance. Affected: yes. Observed: 1 variant allele.